The following is an entry in ClinVar:

NM_001142800.2(EYS):c.5330T>C (p.Leu1777Ser)

Gene: EYS (EGF-like photoreceptor maintenance factor; minus strand). Cytogenetic location: 6q12.
Variant type: single nucleotide variant.
Coding change: c.5330T>C on transcript NM_001142800.2 (MANE Select); coding-DNA position 5330, T replaced by C.
Protein change: p.Leu1777Ser; replaces leucine 1777 with serine.
Molecular consequence: missense variant.
Genome position (GRCh38, 1-based): chr6:64,590,537, A>G on the plus strand (T>C on the coding strand, the complement: EYS is on the minus strand). VCF-style: chr6-64590537-A-G. GRCh37 (hg19) VCF-style: chr6-65300430-A-G.
Other names: c.5330T>C, p.Leu1777Ser (NM_001292009.2); short protein forms L1777S.
Identifiers: ClinVar variation 857822 (VCV000857822.8), dbSNP rs947209456, ClinGen allele CA140340883.

ClinVar aggregate classification (germline): Uncertain significance. Review status: criteria provided, multiple submitters, no conflicts (2 of 4 stars). 5 submissions from 5 submitters: Uncertain significance (4). 1 of the submissions does not count toward it. Last evaluated 2026-04-24.

Conditions:
Retinitis pigmentosa 25 (RP25). Identifiers: Orphanet 791, MedGen C1864446, MONDO:0011272, OMIM 602772.
Inborn genetic diseases. Identifiers: MedGen C0950123, MeSH D030342.

Allele frequency attached by ClinVar (database versions not stated): TOPMed 0.00004; gnomAD exomes 0.00001 and 0.00005; gnomAD 0.00001 and 0.00003.
gnomAD v4.1: 22 of 1,551,270 alleles (0.0014%); highest among the groups gnomAD compares: Admixed American, 0.02%; no homozygotes.

Submissions (5):

Dasa
Classification: Uncertain significance. Last evaluated: 2026-04-24. Review status: criteria provided, single submitter. Criteria: DASA Assertion Criteria. Collection method: clinical testing. Allele origin: germline.
Comment: NM_001142800.2(EYS):c.5330T>C (p.Leu1777Ser) is a missense variant that results in the substitution of leucine with serine. This variant is rare in population databases. Computational prediction algorithms are consistent with a benign effect. The currently available literature and clinical evidence are not sufficient to establish a definitive association between this variant and the reported condition. Therefore, this variant is classified as a variant of uncertain significance.

Blueprint Genetics
Classification: Uncertain significance. Last evaluated: 2024-05-09. Review status: criteria provided, single submitter. Criteria: ACMG Guidelines, 2015. Collection method: clinical testing. Allele origin: germline.

Ambry Genetics
Classification: Uncertain significance for Inborn genetic diseases. Last evaluated: 2023-12-23. Review status: criteria provided, single submitter. Criteria: Ambry Variant Classification Scheme 2023. Collection method: clinical testing. Allele origin: germline.

Labcorp Genetics (formerly Invitae), Labcorp
Classification: Uncertain significance. Last evaluated: 2022-10-24. Review status: criteria provided, single submitter. Criteria: Invitae Variant Classification Sherloc (09022015). Collection method: clinical testing. Allele origin: germline.
Comment: This sequence change replaces leucine, which is neutral and non-polar, with serine, which is neutral and polar, at codon 1777 of the EYS protein (p.Leu1777Ser). This variant is present in population databases (no rsID available, gnomAD 0.03%). This variant has not been reported in the literature in individuals affected with EYS-related conditions. ClinVar contains an entry for this variant (Variation ID: 857822). Algorithms developed to predict the effect of missense changes on protein structure and function output the following: SIFT: "Tolerated"; PolyPhen-2: "Benign"; Align-GVGD: "Class C0". The serine amino acid residue is found in multiple mammalian species, which suggests that this missense change does not adversely affect protein function. In summary, the available evidence is currently insufficient to determine the role of this variant in disease. Therefore, it has been classified as a Variant of Uncertain Significance.

Natera, Inc.
Classification: Uncertain significance for Retinitis pigmentosa type 25. Last evaluated: 2020-12-07. Review status: no assertion criteria provided. Collection method: clinical testing. Allele origin: germline. Not counted in ClinVar's aggregate classification.